The following is an entry in ClinVar:

ClinVar aggregate classification (germline): Uncertain significance (1 of 4 stars; one submission).

Conditions:
Familial cancer of breast. Also called: hereditary breast carcinoma; Hereditary breast cancer; BREAST CANCER, FAMILIAL. Identifiers: Orphanet 227535, MedGen C0346153, MONDO:0016419, OMIM 114480. Disease mechanism: loss of function.

Submission:

Labcorp Genetics (formerly Invitae), Labcorp
Classification: Uncertain significance for Familial cancer of breast. Last evaluated: 2023-06-10. Review status: criteria provided, single submitter. Criteria: Invitae Variant Classification Sherloc (09022015). Collection method: clinical testing. Allele origin: germline.
Comment: This sequence change replaces leucine, which is neutral and non-polar, with serine, which is neutral and polar, at codon 216 of the CHEK2 protein (p.Leu216Ser). This variant is not present in population databases (gnomAD no frequency). This variant has not been reported in the literature in individuals affected with CHEK2-related conditions. An algorithm developed to predict the effect of missense changes on protein structure and function (PolyPhen-2) suggests that this variant is likely to be disruptive. In summary, the available evidence is currently insufficient to determine the role of this variant in disease. Therefore, it has been classified as a Variant of Uncertain Significance.

NM_007194.4(CHEK2):c.647T>C (p.Leu216Ser)

Gene: CHEK2 (checkpoint kinase 2; minus strand). Cytogenetic location: 22q12.1.
Variant type: single nucleotide variant.
Coding change: c.647T>C on transcript NM_007194.4 (MANE Select); coding-DNA position 647, T replaced by C.
Protein change: p.Leu216Ser; replaces leucine 216 with serine.
Molecular consequence: missense variant. On other transcripts: 5 prime UTR variant (2), intron variant (1).
Genome position (GRCh38, 1-based): chr22:28,719,431, A>G on the plus strand (T>C on the coding strand, the complement: CHEK2 is on the minus strand). VCF-style: chr22-28719431-A-G. GRCh37 (hg19) VCF-style: chr22-29115419-A-G.
Other names: c.776T>C, p.Leu259Ser (NM_001005735.3, NM_001438294.1); c.-17T>C (NM_001257387.3, NM_001437942.1); c.740T>C, p.Leu247Ser (NM_001438293.1, NM_001438295.1); c.647T>C, p.Leu216Ser (NM_145862.3); c.482+5455T>C (NM_001349956.3); short protein forms L216S, L259S, L247S.
Identifiers: ClinVar variation 2710033 (VCV002710033.3), dbSNP rs2146005892, ClinGen allele CA411104982.